The following is an entry in ClinVar:

NM_001048174.2(MUTYH):c.914-1G>T

Gene: MUTYH (mutY DNA glycosylase; minus strand). Cytogenetic location: 1p34.1.
Variant type: single nucleotide variant.
Coding change: c.914-1G>T on transcript NM_001048174.2 (MANE Select); the canonical splice acceptor site of the intron before coding-DNA position 914, G replaced by T.
Molecular consequence: splice acceptor variant.
Genome position (GRCh38, 1-based): chr1:45,331,850, C>A on the plus strand (G>T on the coding strand, the complement: MUTYH is on the minus strand). VCF-style: chr1-45331850-C-A. GRCh37 (hg19) VCF-style: chr1-45797522-C-A.
Other names: c.914-1G>T (NM_001407072.1, NM_001407073.1, NM_001048171.2 and 6 more transcripts); c.569-1G>T (NM_001350651.2, NM_001350650.2, NM_001407082.1); c.638-1G>T (NM_001293192.2, NM_001293196.2, NM_001407091.1); c.959-1G>T (NM_001293190.2); c.947-1G>T (NM_001407069.1, NM_001407077.1, NM_001293191.2); c.989-1G>T (NM_012222.3); c.998-1G>T (NM_001128425.2); c.917-1G>T (NM_001407071.1, NM_001048172.2, NM_001407078.1 and 1 more transcripts); and 5 more.
Identifiers: ClinVar variation 1072724 (VCV001072724.9), dbSNP rs2149130255, ClinGen allele CA340133947.

ClinVar aggregate classification (germline): Pathogenic/Likely pathogenic. Review status: criteria provided, multiple submitters, no conflicts (2 of 4 stars). 2 submissions from 2 submitters: Pathogenic (1); Likely pathogenic (1). Last evaluated 2021-10-06.

Conditions:
Familial adenomatous polyposis 2. Also called: FAP type 2; MUTYH Polyposis; COLORECTAL ADENOMATOUS POLYPOSIS, AUTOSOMAL RECESSIVE; ADENOMAS, MULTIPLE COLORECTAL, AUTOSOMAL RECESSIVE; MYH-associated polyposis; MUTYH-associated polyposis. Identifiers: Orphanet 220460, Orphanet 247798, MedGen C3272841, MONDO:0012041, OMIM 608456.
Hereditary cancer-predisposing syndrome. Also called: Neoplastic Syndromes, Hereditary; Tumor predisposition; Hereditary Cancer Syndrome; Hereditary neoplastic syndrome. Identifiers: Orphanet 140162, MedGen C0027672, MeSH D009386, MONDO:0015356.

Submissions (2):

Labcorp Genetics (formerly Invitae), Labcorp
Classification: Pathogenic for Familial adenomatous polyposis 2. Last evaluated: 2021-10-06. Review status: criteria provided, single submitter. Criteria: Invitae Variant Classification Sherloc (09022015). Collection method: clinical testing. Allele origin: germline.
Comment: For these reasons, this variant has been classified as Pathogenic. Algorithms developed to predict the effect of sequence changes on RNA splicing suggest that this variant may disrupt the consensus splice site. This variant is also known as c.956-1G>T. Disruption of this splice site has been observed in individual(s) with MUTYH-associated polyposis (PMID: 17949294, 27829682). In at least one individual the data is consistent with the variant being in trans (on the opposite chromosome) from a pathogenic variant. This variant is not present in population databases (ExAC no frequency). This sequence change affects an acceptor splice site in intron 11 of the MUTYH gene. It is expected to disrupt RNA splicing. Variants that disrupt the donor or acceptor splice site typically lead to a loss of protein function (PMID: 16199547), and loss-of-function variants in MUTYH are known to be pathogenic (PMID: 18534194, 20663686).

Color Diagnostics, LLC DBA Color Health
Classification: Likely pathogenic for Hereditary cancer-predisposing syndrome. Last evaluated: 2020-06-23. Review status: criteria provided, single submitter. Criteria: ACMG Guidelines, 2015. Collection method: clinical testing. Allele origin: germline.
Comment: This variant causes a G to T nucleotide substitution at the -1 position of intron 11 of the MUTYH gene. Splice site prediction tools predict that this variant may have a significant impact on RNA splicing. To our knowledge, functional studies have not been reported for this variant. This variant has been reported in individuals with MUTYH-associated polyposis or colorectal cancer plus colorectal polyps (PMID: 17949294, 27705013, 27829682). This variant has not been identified in the general population by the Genome Aggregation Database (gnomAD). Loss of MUTYH function is a known mechanism of disease. Based on the available evidence, this variant is classified as Likely Pathogenic.

Literature cited by the submitters: PubMed 17949294 (cited by Labcorp Genetics (formerly Invitae), Labcorp); PubMed 27829682 (cited by Labcorp Genetics (formerly Invitae), Labcorp); PubMed 16199547 (cited by Labcorp Genetics (formerly Invitae), Labcorp); PubMed 18534194 (cited by Labcorp Genetics (formerly Invitae), Labcorp); PubMed 20663686 (cited by Labcorp Genetics (formerly Invitae), Labcorp).